The following is an entry in ClinVar:

NM_001184880.2(PCDH19):c.169C>T (p.Gln57Ter)

Gene: PCDH19 (protocadherin 19; minus strand). Cytogenetic location: Xq22.1.
Variant type: single nucleotide variant.
Coding change: c.169C>T on transcript NM_001184880.2 (MANE Select); coding-DNA position 169, C replaced by T.
Protein change: p.Gln57Ter; replaces glutamine 57 with a stop codon.
Molecular consequence: nonsense.
Genome position (GRCh38, 1-based): chrX:100,408,429, G>A on the plus strand (C>T on the coding strand, the complement: PCDH19 is on the minus strand). VCF-style: chrX-100408429-G-A. GRCh37 (hg19) VCF-style: chrX-99663427-G-A.
Other names: c.169C>T, p.Gln57Ter (NM_001105243.2, NM_020766.3); short protein forms Q57*.
Identifiers: ClinVar variation 447917 (VCV000447917.3), dbSNP rs1367823627, ClinGen allele CA414011231.

ClinVar aggregate classification (germline): Pathogenic. Review status: criteria provided, multiple submitters, no conflicts (2 of 4 stars). 2 submissions from 2 submitters: Pathogenic (2). Last evaluated 2024-06-30.

Conditions:
Developmental and epileptic encephalopathy, 9 (DEE9). Also called: Early infantile epileptic encephalopathy 9; EPILEPSY, FEMALE-RESTRICTED, WITH MENTAL RETARDATION; JUBERG-HELLMAN SYNDROME; PCDH19-Related X-Linked Female-Limited Epilepsy with Mental Retardation. Identifiers: Orphanet 101039, Orphanet 2076, MedGen C1848137, MONDO:0010246, OMIM 300088. Disease mechanism: loss of function.

Submissions (2):

Labcorp Genetics (formerly Invitae), Labcorp
Classification: Pathogenic for Developmental and epileptic encephalopathy, 9. Last evaluated: 2024-06-30. Review status: criteria provided, single submitter. Criteria: Invitae Variant Classification Sherloc (09022015). Collection method: clinical testing. Allele origin: germline.
Comment: This sequence change creates a premature translational stop signal (p.Gln57*) in the PCDH19 gene. It is expected to result in an absent or disrupted protein product. Loss-of-function variants in PCDH19 are known to be pathogenic (PMID: 21053371). This variant is not present in population databases (gnomAD no frequency). This variant has not been reported in the literature in individuals affected with PCDH19-related conditions. ClinVar contains an entry for this variant (Variation ID: 447917). For these reasons, this variant has been classified as Pathogenic.

Athena Diagnostics
Classification: Pathogenic. Last evaluated: 2016-09-22. Review status: criteria provided, single submitter. Criteria: Athena Diagnostics Criteria. Collection method: clinical testing. Allele origin: germline.

Literature cited by the submitters: PubMed 21053371 (cited by Labcorp Genetics (formerly Invitae), Labcorp).